The following is an entry in ClinVar:

NM_021076.4(NEFH):c.1616A>C (p.Lys539Thr)

Gene: NEFH (neurofilament heavy chain; plus strand). Cytogenetic location: 22q12.2.
Variant type: single nucleotide variant.
Coding change: c.1616A>C on transcript NM_021076.4 (MANE Select); coding-DNA position 1616, A replaced by C.
Protein change: p.Lys539Thr; replaces lysine 539 with threonine.
Molecular consequence: missense variant.
Genome position (GRCh38, 1-based): chr22:29,489,256, A>C. VCF-style: chr22-29489256-A-C. GRCh37 (hg19) VCF-style: chr22-29885245-A-C.
Other names: short protein forms K539T.
Identifiers: ClinVar variation 3354344 (VCV003354344.1).
Genomic context (GRCh38, chr22:29,489,256, plus strand): 5'-CAGTAAAGGAAGAGGCAAAGTCACCGGCTGAGGCCAAGTCCCCAGAGAAGGAGGAAGCAA[A>C]ATCCCCAGCCGAAGTCAAGTCCCCTGAGAAGGCCAAGTCTCCAGCAAAGGAAGAGGCAAA-3'
Protein context (NP_066554.2, residues 529-549): EAKSPEKEEA[Lys539Thr]SPAEVKSPEK

ClinVar aggregate classification (germline): Uncertain significance (0 of 4 stars; one submission).

Conditions:
NEFH-related disorder. Also called: NEFH-related condition.

Submission:

PreventionGenetics, part of Exact Sciences
Classification: Uncertain significance for NEFH-related condition. Last evaluated: 2024-07-23. Review status: no assertion criteria provided. Collection method: clinical testing. Allele origin: germline.
Comment: The NEFH c.1616A>C variant is predicted to result in the amino acid substitution p.Lys539Thr. To our knowledge, this variant has not been reported in the literature. This variant is reported in 0.0029% of alleles in individuals of Latino descent in gnomAD. At this time, the clinical significance of this variant is uncertain due to the absence of conclusive functional and genetic evidence.